The following is an entry in ClinVar:

NM_025137.4(SPG11):c.187C>G (p.Leu63Val)

Gene: SPG11 (SPG11 vesicle trafficking associated, spatacsin; minus strand). Cytogenetic location: 15q21.1.
Variant type: single nucleotide variant.
Coding change: c.187C>G on transcript NM_025137.4 (MANE Select); coding-DNA position 187, C replaced by G.
Protein change: p.Leu63Val; replaces leucine 63 with valine.
Molecular consequence: missense variant.
Genome position (GRCh38, 1-based): chr15:44,663,461, G>C on the plus strand (C>G on the coding strand, the complement: SPG11 is on the minus strand). VCF-style: chr15-44663461-G-C. GRCh37 (hg19) VCF-style: chr15-44955659-G-C.
Other names: c.187C>G, p.Leu63Val (NM_001160227.2); short protein forms L63V.
Identifiers: ClinVar variation 466509 (VCV000466509.10), dbSNP rs754196423, ClinGen allele CA7535929.

ClinVar aggregate classification (germline): Uncertain significance (1 of 4 stars; one submission).

Conditions:
Hereditary spastic paraplegia 11. Also called: SPASTIC PARAPLEGIA, AUTOSOMAL RECESSIVE, COMPLICATED, WITH THIN CORPUS CALLOSUM; SPASTIC PARAPLEGIA, AUTOSOMAL RECESSIVE, WITH MENTAL IMPAIRMENT AND THIN CORPUS CALLOSUM; Nakamura Osame syndrome; Autosomal recessive hereditary spastic paraplegia, mental impairment, and thin corpus callosum; Spastic paraplegia, mental retardation and thin corpus callosum; Spastic Paraplegia 11. Identifiers: Orphanet 2822, MedGen C1858479, MONDO:0011445, OMIM 604360.

Allele frequency attached by ClinVar (database versions not stated): gnomAD 0.00001; gnomAD exomes 0.00001; TOPMed 0.00001; ExAC 0.00004.
gnomAD v4.1: 11 of 1,597,582 alleles (0.00069%); highest among the groups gnomAD compares: Non-Finnish European, 0.00094%; no homozygotes.

Submission:

Labcorp Genetics (formerly Invitae), Labcorp
Classification: Uncertain significance for Hereditary spastic paraplegia 11. Last evaluated: 2024-10-16. Review status: criteria provided, single submitter. Criteria: Invitae Variant Classification Sherloc (09022015). Collection method: clinical testing. Allele origin: germline.
Comment: This sequence change replaces leucine, which is neutral and non-polar, with valine, which is neutral and non-polar, at codon 63 of the SPG11 protein (p.Leu63Val). This variant is present in population databases (rs754196423, gnomAD 0.002%). This variant has not been reported in the literature in individuals affected with SPG11-related conditions. ClinVar contains an entry for this variant (Variation ID: 466509). An algorithm developed to predict the effect of missense changes on protein structure and function (PolyPhen-2) suggests that this variant is likely to be disruptive. In summary, the available evidence is currently insufficient to determine the role of this variant in disease. Therefore, it has been classified as a Variant of Uncertain Significance.